The following is an entry in ClinVar:

NM_138713.4(NFAT5):c.1490A>G (p.Gln497Arg)

Gene: NFAT5 (nuclear factor of activated T cells 5; plus strand). Cytogenetic location: 16q22.1.
Variant type: single nucleotide variant.
Coding change: c.1490A>G on transcript NM_138713.4 (MANE Select); coding-DNA position 1490, A replaced by G.
Protein change: p.Gln497Arg; replaces glutamine 497 with arginine.
Molecular consequence: missense variant.
Genome position (GRCh38, 1-based): chr16:69,670,097, A>G. VCF-style: chr16-69670097-A-G. GRCh37 (hg19) VCF-style: chr16-69704000-A-G.
Other names: c.1490A>G, p.Gln497Arg (LRG_1332t1, NM_001113178.3); c.818A>G, p.Gln273Arg (NM_001367709.1); c.1436A>G, p.Gln479Arg (NM_006599.4); c.1208A>G, p.Gln403Arg (NM_138714.4, NM_173214.3, NM_173215.3); short protein forms Q403R, Q497R, Q479R, Q273R.
Identifiers: ClinVar variation 582735 (VCV000582735.8), dbSNP rs1321905353, ClinGen allele CA396496644.
Genomic context (GRCh38, chr16:69,670,097, plus strand): 5'-GAGAAGAAGAAGTGTTTTTAATCGGCAAGAACTTTCTGAAAGGAACTAAAGTTATTTTCC[A>G]AGAAAATGTTTCTGGTAAGTACGCATATTTGTGGTACAGATATTTGTATGTTTTCACTTT-3'
Protein context (NP_619727.2, residues 487-507): NFLKGTKVIF[Gln497Arg]ENVSDENSWK

ClinVar aggregate classification (germline): Uncertain significance (1 of 4 stars; one submission).

Conditions:
Immunodeficiency. Identifiers: MedGen C0021051, MONDO:0021094, HP:0002721.

Allele frequency attached by ClinVar (database versions not stated): gnomAD exomes below 0.00001; TOPMed below 0.00001; gnomAD 0.00001.
gnomAD v4.1: 2 of 1,610,982 alleles (0.00012%); highest among the groups gnomAD compares: African/African-American, 0.0013%; no homozygotes.

Submission:

Labcorp Genetics (formerly Invitae), Labcorp
Classification: Uncertain significance for Immunodeficiency. Last evaluated: 2020-03-28. Review status: criteria provided, single submitter. Criteria: Invitae Variant Classification Sherloc (09022015). Collection method: clinical testing. Allele origin: germline.
Comment: This variant has not been reported in the literature in individuals with NFAT5-related disease. This variant is not present in population databases (ExAC no frequency). This sequence change replaces glutamine with arginine at codon 403 of the NFAT5 protein (p.Gln403Arg). The glutamine residue is highly conserved and there is a small physicochemical difference between glutamine and arginine. In summary, the available evidence is currently insufficient to determine the role of this variant in disease. Therefore, it has been classified as a Variant of Uncertain Significance. Algorithms developed to predict the effect of missense changes on protein structure and function (SIFT, PolyPhen-2, Align-GVGD) all suggest that this variant is likely to be disruptive, but these predictions have not been confirmed by published functional studies and their clinical significance is uncertain.